The following is an entry in ClinVar:

ClinVar aggregate classification (germline): Uncertain significance (1 of 4 stars; one submission).

Submission:

Labcorp Genetics (formerly Invitae), Labcorp
Classification: Uncertain significance. Last evaluated: 2023-02-14. Review status: criteria provided, single submitter. Criteria: Invitae Variant Classification Sherloc (09022015). Collection method: clinical testing. Allele origin: germline.
Comment: This sequence change replaces aspartic acid, which is acidic and polar, with asparagine, which is neutral and polar, at codon 40 of the SAMD9 protein (p.Asp40Asn). This variant is not present in population databases (gnomAD no frequency). This variant has not been reported in the literature in individuals affected with SAMD9-related conditions. ClinVar contains an entry for this variant (Variation ID: 1468363). Advanced modeling of protein sequence and biophysical properties (such as structural, functional, and spatial information, amino acid conservation, physicochemical variation, residue mobility, and thermodynamic stability) performed at Invitae indicates that this missense variant is not expected to disrupt SAMD9 protein function. In summary, the available evidence is currently insufficient to determine the role of this variant in disease. Therefore, it has been classified as a Variant of Uncertain Significance.

NM_017654.4(SAMD9):c.118G>A (p.Asp40Asn)

Gene: SAMD9 (sterile alpha motif domain containing 9; minus strand). Cytogenetic location: 7q21.2.
Variant type: single nucleotide variant.
Coding change: c.118G>A on transcript NM_017654.4 (MANE Select); coding-DNA position 118, G replaced by A.
Protein change: p.Asp40Asn; replaces aspartic acid 40 with asparagine.
Molecular consequence: missense variant.
Genome position (GRCh38, 1-based): chr7:93,105,980, C>T on the plus strand (G>A on the coding strand, the complement: SAMD9 is on the minus strand). VCF-style: chr7-93105980-C-T. GRCh37 (hg19) VCF-style: chr7-92735293-C-T.
Other names: c.118G>A, p.Asp40Asn (NM_001193307.2); short protein forms D40N.
Identifiers: ClinVar variation 1468363 (VCV001468363.6), dbSNP rs2116423636, ClinGen allele CA368206058.